The following is an entry in ClinVar:

NM_016599.5(MYOZ2):c.32G>T (p.Arg11Ile)

Gene: MYOZ2 (myozenin 2; plus strand). Cytogenetic location: 4q26.
Variant type: single nucleotide variant.
Coding change: c.32G>T on transcript NM_016599.5 (MANE Select); coding-DNA position 32, G replaced by T.
Protein change: p.Arg11Ile; replaces arginine 11 with isoleucine.
Molecular consequence: missense variant.
Genome position (GRCh38, 1-based): chr4:119,136,557, G>T. VCF-style: chr4-119136557-G-T. GRCh37 (hg19) VCF-style: chr4-120057712-G-T.
Other names: c.32G>T, p.Arg11Ile (NM_001440645.1, NM_001440646.1); short protein forms R11I.
Identifiers: ClinVar variation 4614657 (VCV004614657.1).

ClinVar aggregate classification (germline): Uncertain significance (1 of 4 stars; one submission).

Conditions:
Cardiovascular phenotype. Identifiers: MedGen CN230736.

Submission:

Ambry Genetics
Classification: Uncertain significance for Cardiovascular phenotype. Last evaluated: 2025-10-26. Review status: criteria provided, single submitter. Criteria: Ambry Variant Classification Scheme 2023. Collection method: clinical testing. Allele origin: germline.
Comment: The p.R11I variant (also known as c.32G>T), located in coding exon 1 of the MYOZ2 gene, results from a G to T substitution at nucleotide position 32. The arginine at codon 11 is replaced by isoleucine, an amino acid with similar properties. This amino acid position is conserved. In addition, the in silico prediction for this alteration is inconclusive. Based on the available evidence, the clinical significance of this variant remains unclear.